The following is an entry in ClinVar:

ClinVar aggregate classification (germline): Pathogenic (1 of 4 stars; one submission).

Conditions:
Feingold syndrome type 1 (FGLDS1). Also called: MICROCEPHALY, MENTAL RETARDATION, AND TRACHEOESOPHAGEAL FISTULA SYNDROME; MICROCEPHALY-OCULO-DIGITO-ESOPHAGEAL-DUODENAL SYNDROME; OCULODIGITOESOPHAGODUODENAL SYNDROME; ODED SYNDROME; MICROCEPHALY AND DIGITAL ABNORMALITIES WITH NORMAL INTELLIGENCE. Identifiers: Orphanet 1305, Orphanet 391641, MedGen C4551774, MONDO:0008115, OMIM 164280.

Submission:

MGZ Medical Genetics Center
Classification: Pathogenic for Feingold syndrome type 1. Last evaluated: 2022-05-18. Review status: criteria provided, single submitter. Criteria: ACMG Guidelines, 2015. Collection method: clinical testing. Allele origin: germline. Affected: yes. Observed: 1 variant allele.
Comment: ACMG criteria applied: PVS1, PS2, PM2_SUP

NM_005378.6(MYCN):c.256G>T (p.Glu86Ter)

Genes: MYCN (MYCN proto-oncogene, bHLH transcription factor; plus strand), MYCNOS (MYCN opposite strand; minus strand). Cytogenetic location: 2p24.3.
Variant type: single nucleotide variant.
Coding change: c.256G>T on transcript NM_005378.6 (MANE Select); coding-DNA position 256, G replaced by T.
Protein change: p.Glu86Ter; replaces glutamic acid 86 with a stop codon.
Molecular consequence: nonsense. On other transcripts: non-coding transcript variant (1), 3 prime UTR variant (1), intron variant (1).
Genome position (GRCh38, 1-based): chr2:15,942,320, G>T. VCF-style: chr2-15942320-G-T. GRCh37 (hg19) VCF-style: chr2-16082442-G-T.
Other names: c.256G>T, p.Glu86Ter (NM_001293228.2); c.*191G>T (NM_001293233.2); c.157+1577G>T (NM_001293231.2); short protein forms E86*.
Identifiers: ClinVar variation 1709269 (VCV001709269.2), dbSNP rs1572217314, ClinGen allele CA345930496.
Genomic context (GRCh38, chr2:15,942,320, plus strand): 5'-GGCTTCGCGGAGCACAGCTCCGAGCCCCCGAGCTGGGTCACGGAGATGCTGCTTGAGAAC[G>T]AGCTGTGGGGCAGCCCGGCCGAGGAGGACGCGTTCGGCCTGGGGGGACTGGGTGGCCTCA-3'